The following is an entry in ClinVar:

NM_130837.3(OPA1):c.2531del (p.Asn844fs)

Gene: OPA1 (OPA1 mitochondrial dynamin like GTPase; plus strand). Cytogenetic location: 3q29.
Variant type: Deletion.
Coding change: c.2531del on transcript NM_130837.3 (MANE Select); coding-DNA position 2531, one base deleted (A; older notation c.2531delA).
Protein change: p.Asn844fs; shifts the reading frame from asparagine 844.
Molecular consequence: frameshift variant.
Genome position (GRCh38, 1-based): chr3:193,662,832, A deleted; the last of 2 consecutive A bases (chr3:193,662,831-193,662,832); deleting either gives the same sequence. VCF-style (leftmost placement, unchanged base first): chr3-193662830-CA-C. GRCh37 (hg19) VCF-style: chr3-193380619-CA-C.
Other names: c.1997del, p.Asn666fs (NM_001354663.2); c.1994del, p.Asn665fs (NM_001354664.2); c.2366delA, p.Asn789Metfs (NM_015560.2); c.2366del, p.Asn789fs (NM_015560.3); c.2258del, p.Asn753fs (NM_130831.3); c.2312del, p.Asn771fs (NM_130832.3); c.2369del, p.Asn790fs (NM_130833.3); c.2420del, p.Asn807fs (NM_130834.3); and 2 more; short protein forms N665fs, N666fs, N753fs, N771fs, N789fs, N790fs, N807fs, N808fs.
Identifiers: ClinVar variation 4536344 (VCV004536344.2).

ClinVar aggregate classification (germline): Pathogenic (1 of 4 stars; one submission).

Submission:

GeneDx
Classification: Pathogenic. Last evaluated: 2026-10-16. Review status: criteria provided, single submitter. Criteria: GeneDx Variant Classification Process June 2021. Collection method: clinical testing. Allele origin: germline.
Comment: Reported in patients with optic atrophy in published literature; however, these individuals were not screened for variants in other genes associated with optic atrophy (PMID: 14961560, 24883014); Frameshift variant predicted to result in protein truncation or nonsense mediated decay in a gene for which loss of function is a known mechanism of disease; Not observed at significant frequency in large population cohorts (gnomAD); This variant is associated with the following publications: (PMID: 14961560, 24883014)